The following is an entry in ClinVar:

ClinVar aggregate classification (germline): Uncertain significance (1 of 4 stars; one submission).

Conditions:
Hereditary cancer-predisposing syndrome. Also called: Neoplastic Syndromes, Hereditary; Tumor predisposition; Hereditary neoplastic syndrome; Hereditary Cancer Syndrome. Identifiers: Orphanet 140162, MedGen C0027672, MeSH D009386, MONDO:0015356.

Submission:

Ambry Genetics
Classification: Uncertain significance for Hereditary cancer-predisposing syndrome. Last evaluated: 2026-07-07. Review status: criteria provided, single submitter. Criteria: Ambry Variant Classification Scheme 2023. Collection method: clinical testing. Allele origin: germline.
Comment: The p.T248P variant (also known as c.742A>C), located in coding exon 4 of the PDGFRA gene, results from an A to C substitution at nucleotide position 742. The threonine at codon 248 is replaced by proline, an amino acid with highly similar properties. This amino acid position is conserved. In addition, this alteration is predicted to be tolerated by in silico analysis. Based on the available evidence, the clinical significance of this variant remains unclear.

NM_006206.6(PDGFRA):c.742A>C (p.Thr248Pro)

Gene: PDGFRA (platelet derived growth factor receptor alpha; plus strand). Cytogenetic location: 4q12.
Variant type: single nucleotide variant.
Coding change: c.742A>C on transcript NM_006206.6 (MANE Select); coding-DNA position 742, A replaced by C.
Protein change: p.Thr248Pro; replaces threonine 248 with proline.
Molecular consequence: missense variant.
Genome position (GRCh38, 1-based): chr4:54,265,032, A>C. VCF-style: chr4-54265032-A-C. GRCh37 (hg19) VCF-style: chr4-55131199-A-C.
Other names: c.742A>C, p.Thr248Pro (NM_001347827.2, NM_001347829.2); c.817A>C, p.Thr273Pro (NM_001347828.2); c.781A>C, p.Thr261Pro (NM_001347830.2); short protein forms T248P, T261P, T273P.
Identifiers: ClinVar variation 5026424 (VCV005026424.1).